The following is an entry in ClinVar:

NM_002474.3(MYH11):c.2653-10C>T

Gene: MYH11 (myosin heavy chain 11; minus strand). Cytogenetic location: 16p13.11.
Variant type: single nucleotide variant.
Coding change: c.2653-10C>T on transcript NM_002474.3 (MANE Select); 10 bases into the intron before coding-DNA position 2653, C replaced by T.
Molecular consequence: intron variant.
Genome position (GRCh38, 1-based): chr16:15,741,679, G>A on the plus strand (C>T on the coding strand, the complement: MYH11 is on the minus strand). VCF-style: chr16-15741679-G-A. GRCh37 (hg19) VCF-style: chr16-15835536-G-A.
Other names: c.2653-10C>T (NM_022844.3); c.2674-10C>T (NM_001040114.2, NM_001040113.2).
Identifiers: ClinVar variation 3387214 (VCV003387214.1).

ClinVar aggregate classification (germline): Likely benign (1 of 4 stars; one submission).

Conditions:
Familial thoracic aortic aneurysm and aortic dissection (TAAD). Also called: Thoracic aortic aneurysms and dissections. Identifiers: Orphanet 91387, MedGen C4707243, MONDO:0019625.

Submission:

All of Us Research Program, National Institutes of Health
Classification: Likely benign for Familial thoracic aortic aneurysm and aortic dissection. Last evaluated: 2024-04-25. Review status: criteria provided, single submitter. Criteria: ACMG Guidelines, 2015. Collection method: clinical testing. Allele origin: germline. Inheritance: Autosomal dominant inheritance. Observed: 1 variant allele, 1 heterozygote.
Comment: This study involves interpretation of variants in research participants for the purpose of population health screening. Participant phenotype was not available at the time of variant classification. Additional details can be found in publication PMID: 35346344, PMCID: PMC8962531